The following is an entry in ClinVar:

NM_000368.5(TSC1):c.3129_3130insAGCATCAGC (p.Ser1043_Glu1044insSerIleSer)

Gene: TSC1 (TSC complex subunit 1; minus strand). Cytogenetic location: 9q34.13.
Variant type: Insertion.
Coding change: c.3129_3130insAGCATCAGC on transcript NM_000368.5 (MANE Select); coding-DNA positions 3129 to 3130, AGCATCAGC inserted.
Protein change: p.Ser1043_Glu1044insSerIleSer.
Molecular consequence: inframe insertion.
Genome position: GRCh38 VCF-style: chr9-132896600-C-CGCTGATGCT. GRCh37 (hg19) VCF-style: chr9-135771987-C-CGCTGATGCT.
Other names: c.3126_3127insAGCATCAGC, p.Ser1042_Glu1043insSerIleSer (NM_001162426.2); c.2976_2977insAGCATCAGC, p.Ser992_Glu993insSerIleSer (NM_001162427.2); c.2766_2767insAGCATCAGC, p.Ser922_Glu923insSerIleSer (NM_001362177.2).
Identifiers: ClinVar variation 643562 (VCV000643562.12), dbSNP rs1588287475, ClinGen allele CA915947219.

ClinVar aggregate classification (germline): Conflicting classifications of pathogenicity. Review status: criteria provided, conflicting classifications (1 of 4 stars). 4 submissions from 4 submitters: Uncertain significance (3); Likely benign (1). Last evaluated 2025-06-09.

Conditions:
Tuberous sclerosis 1 (TSC1). Identifiers: Orphanet 805, MedGen C1854465, MONDO:0008612, OMIM 191100.

Submissions (4):

Labcorp Genetics (formerly Invitae), Labcorp
Classification: Likely benign for Tuberous sclerosis 1. Last evaluated: 2025-06-09. Review status: criteria provided, single submitter. Criteria: Invitae Variant Classification Sherloc (09022015). Collection method: clinical testing. Allele origin: germline.

GeneDx
Classification: Uncertain significance. Last evaluated: 2023-03-29. Review status: criteria provided, single submitter. Criteria: GeneDx Variant Classification Process June 2021. Collection method: clinical testing. Allele origin: germline. Affected: yes.
Comment: Not observed at significant frequency in large population cohorts (gnomAD); In-frame insertion of 3 amino acids in a repetitive region with no known function; Has not been previously published as pathogenic or benign to our knowledge

Genome-Nilou Lab
Classification: Uncertain significance for Tuberous sclerosis 1. Last evaluated: 2021-11-07. Review status: criteria provided, single submitter. Criteria: ACMG Guidelines, 2015. Collection method: clinical testing. Allele origin: germline. Affected: no.

Baylor Genetics
Classification: Uncertain significance for Tuberous sclerosis 1. Last evaluated: 2021-02-09. Review status: criteria provided, single submitter. Criteria: ACMG Guidelines, 2015. Collection method: clinical testing. Allele origin: paternal. Affected: yes. Study: CSER-TexasKidsCanSeq.
Comment: This variant was determined to be of uncertain significance according to ACMG Guidelines, 2015 [PMID:25741868].